The following is an entry in ClinVar:

NM_000153.4(GALC):c.583A>G (p.Ile195Val)

Gene: GALC (galactosylceramidase; minus strand). Cytogenetic location: 14q31.3.
Variant type: single nucleotide variant.
Coding change: c.583A>G on transcript NM_000153.4 (MANE Select); coding-DNA position 583, A replaced by G.
Protein change: p.Ile195Val; replaces isoleucine 195 with valine.
Molecular consequence: missense variant.
Genome position (GRCh38, 1-based): chr14:87,982,243, T>C on the plus strand (A>G on the coding strand, the complement: GALC is on the minus strand). VCF-style: chr14-87982243-T-C. GRCh37 (hg19) VCF-style: chr14-88448587-T-C.
Other names: c.514A>G, p.Ile172Val (NM_001201401.2); c.505A>G, p.Ile169Val (NM_001201402.2); short protein forms I195V, I172V, I169V.
Identifiers: ClinVar variation 551689 (VCV000551689.3), dbSNP rs1555383309, ClinGen allele CA390750891.

ClinVar aggregate classification (germline): Uncertain significance. Review status: criteria provided, single submitter (1 of 4 stars). 2 submissions from 2 submitters: Uncertain significance (1). 1 of the submissions does not count toward it. Last evaluated 2025-05-07.

Conditions:
Galactosylceramide beta-galactosidase deficiency. Also called: GALACTOCEREBROSIDASE DEFICIENCY; GALC DEFICIENCY; GLOBOID CELL LEUKOENCEPHALOPATHY; Leukodystrophy, Globoid Cell; Krabbe Disease. Identifiers: Orphanet 487, MedGen C0023521, MONDO:0009499, OMIM 245200.

gnomAD v4.1: 1 of 1,580,284 alleles (0.000063%); highest among the groups gnomAD compares: Non-Finnish European, 0.000087%; no homozygotes.

Submissions (2):

Women's Health and Genetics/Laboratory Corporation of America, LabCorp
Classification: Uncertain significance. Last evaluated: 2025-05-07. Review status: criteria provided, single submitter. Criteria: LabCorp Variant Classification Summary - May 2015. Collection method: clinical testing. Allele origin: germline.
Comment: Variant summary: GALC c.583A>G (p.Ile195Val) results in a conservative amino acid change in the encoded protein sequence. Algorithms developed to predict the effect of missense changes on protein structure and function are either unavailable or do not agree on the potential impact of this missense change. Consensus agreement among computation tools predict no significant impact on normal splicing. However, these predictions have yet to be confirmed by functional studies. The variant was absent in 247482 control chromosomes. The available data on variant occurrences in the general population are insufficient to allow any conclusion about variant significance. c.583A>G has been observed in an infant with low GALC activity (Orsini_2016). This report does not provide unequivocal conclusions about association of the variant with Krabbe Disease. To our knowledge, no experimental evidence demonstrating an impact on protein function has been reported. The following publication has been ascertained in the context of this evaluation (PMID: 26795590). ClinVar contains an entry for this variant (Variation ID: 551689). Based on the evidence outlined above, the variant was classified as uncertain significance.

Counsyl
Classification: Uncertain significance for Galactosylceramide beta-galactosidase deficiency. Last evaluated: 2017-05-01. Review status: no assertion criteria provided. Collection method: clinical testing. Allele origin: unknown. Not counted in ClinVar's aggregate classification.

Literature cited by the submitters: PubMed 26795590 (cited by Women's Health and Genetics/Laboratory Corporation of America, LabCorp and Counsyl).